The following is an entry in ClinVar:

ClinVar aggregate classification (germline): Uncertain significance (1 of 4 stars; one submission).

Conditions:
Walker-Warburg congenital muscular dystrophy. Also called: Muscular dystrophy-dystroglycanopathy, type A; Walker-Warburg syndrome. Identifiers: Orphanet 899, MedGen C0265221, MONDO:0000171.
Autosomal recessive limb-girdle muscular dystrophy type 2K. Also called: MUSCULAR DYSTROPHY-DYSTROGLYCANOPATHY (LIMB-GIRDLE), TYPE C, 1; MUSCULAR DYSTROPHY, LIMB-GIRDLE, TYPE 2K. Identifiers: Orphanet 86812, MedGen C1836373, MONDO:0012248, OMIM 609308.
Muscular dystrophy-dystroglycanopathy (congenital with impaired intellectual development), type B, 1. Also called: Muscular dystrophy-dystroglycanopathy (congenital with intellectual disability), type B1; MUSCULAR DYSTROPHY, CONGENITAL, POMT1-RELATED. Identifiers: MedGen C5436962, MONDO:0013159, OMIM 613155.

Submission:

Labcorp Genetics (formerly Invitae), Labcorp
Classification: Uncertain significance for Muscular dystrophy-dystroglycanopathy (congenital with impaired intellectual development), type B, 1; Walker-Warburg congenital muscular dystrophy; Autosomal recessive limb-girdle muscular dystrophy type 2K. Last evaluated: 2022-03-08. Review status: criteria provided, single submitter. Criteria: Invitae Variant Classification Sherloc (09022015). Collection method: clinical testing. Allele origin: germline.
Comment: In summary, the available evidence is currently insufficient to determine the role of this variant in disease. Therefore, it has been classified as a Variant of Uncertain Significance. Algorithms developed to predict the effect of missense changes on protein structure and function (SIFT, PolyPhen-2, Align-GVGD) all suggest that this variant is likely to be disruptive. This variant has not been reported in the literature in individuals affected with POMT1-related conditions. This variant is not present in population databases (gnomAD no frequency). This sequence change replaces glutamic acid, which is acidic and polar, with alanine, which is neutral and non-polar, at codon 512 of the POMT1 protein (p.Glu512Ala).

NM_001077365.2(POMT1):c.1469A>C (p.Glu490Ala)

Gene: POMT1 (protein O-mannosyltransferase 1; plus strand). Cytogenetic location: 9q34.13.
Variant type: single nucleotide variant.
Coding change: c.1469A>C on transcript NM_001077365.2 (MANE Select); coding-DNA position 1469, A replaced by C.
Protein change: p.Glu490Ala; replaces glutamic acid 490 with alanine.
Molecular consequence: missense variant. On other transcripts: non-coding transcript variant (10), intron variant (1).
Genome position (GRCh38, 1-based): chr9:131,518,940, A>C. VCF-style: chr9-131518940-A-C. GRCh37 (hg19) VCF-style: chr9-134394327-A-C.
Other names: c.1307A>C, p.Glu436Ala (NM_001077366.2, NM_001353194.2); c.1469A>C, p.Glu490Ala (NM_001136113.2); c.1118A>C, p.Glu373Ala (NM_001136114.2, NM_001353195.2, NM_001374691.1 and 2 more transcripts); c.1535A>C, p.Glu512Ala (NM_001353193.2, NM_007171.4); c.1379A>C, p.Glu460Ala (NM_001353196.2); c.1373A>C, p.Glu458Ala (NM_001353197.2, NM_001353198.2); c.1184A>C, p.Glu395Ala (NM_001353199.2); c.1013A>C, p.Glu338Ala (NM_001353200.2); and 3 more; short protein forms E338A, E436A, E486A, E360A, E512A, E460A, E490A, E373A.
Identifiers: ClinVar variation 1500135 (VCV001500135.8), dbSNP rs2131857011, ClinGen allele CA375312101.